The following is an entry in ClinVar:

ClinVar aggregate classification (germline): Pathogenic (1 of 4 stars; one submission).

Conditions:
Early-infantile DEE. Also called: Ohtahara syndrome; Early infantile epileptic encephalopathy with suppression bursts; Early infantile epileptic encephalopathy. Identifiers: Orphanet 1934, MedGen C0393706, MONDO:0800491.

Submission:

Labcorp Genetics (formerly Invitae), Labcorp
Classification: Pathogenic for Early-infantile DEE. Last evaluated: 2025-10-01. Review status: criteria provided, single submitter. Criteria: Invitae Variant Classification Sherloc (09022015). Collection method: clinical testing. Allele origin: germline.
Comment: This variant, c.3867_3869del, results in the deletion of 1 amino acid(s) of the SCN1A protein (p.Phe1289del), but otherwise preserves the integrity of the reading frame. This variant is not present in population databases (gnomAD no frequency). This variant has been observed in individual(s) with clinical features of SCN1A-related conditions (PMID: 12083760; internal data). In at least one individual the variant was observed to be de novo. This variant is also known as CTT3837-3839del (F1279del). Algorithms developed to predict the effect of variants on gene product structure and function are not available or were not evaluated for this variant. Experimental studies have shown that this variant affects SCN1A function (PMID: 17054685, 23086956). For these reasons, this variant has been classified as Pathogenic.

Literature cited by the submitters: PubMed 12083760; PubMed 17054685; PubMed 23086956.

NM_001165963.4(SCN1A):c.3864CTT[1] (p.Phe1289del)

Genes: SCN1A (sodium voltage-gated channel alpha subunit 1; minus strand), LOC102724058 (uncharacterized LOC102724058; plus strand). Cytogenetic location: 2q24.3.
Variant type: Microsatellite.
Coding change: c.3864CTT[1] on transcript NM_001165963.4 (MANE Select); one copy of the 3-base unit CTT starting at c.3864; the reference has two copies in a row; one copy, 3 bases deleted.
Protein change: p.Phe1289del; deletes phenylalanine 1289.
Molecular consequence: inframe deletion. On other transcripts: non-coding transcript variant (1).
Genome position (GRCh38, 1-based): chr2:166,012,119-166,012,121, AAG deleted on the plus strand (CTT on the coding strand, the reverse complement: SCN1A is on the minus strand); deleting any 3 consecutive bases within chr2:166,012,119-166,012,124 gives the same sequence; the position shown is the placement nearest the transcript's 3' end. VCF-style (leftmost placement, unchanged base first): chr2-166012118-TAAG-T. GRCh37 (hg19) VCF-style: chr2-166868628-TAAG-T.
Other names: c.3780CTT[1], p.Phe1261del (NM_001165964.3, NM_001353957.2, NM_001353958.2); c.3864CTT[1], p.Phe1289del (NM_001202435.3, NM_001353948.2); c.3831CTT[1], p.Phe1278del (NM_001353949.2, NM_001353950.2, NM_001353951.2 and 2 more transcripts); c.3828CTT[1], p.Phe1277del (NM_001353954.2, NM_001353955.2); c.3777CTT[1], p.Phe1260del (NM_001353960.2); c.1422CTT[1], p.Phe475del (NM_001353961.2); short protein forms F1260del, F1261del, F1277del, F1278del, F1289del, F475del.
Identifiers: ClinVar variation 1072727 (VCV001072727.6), dbSNP rs2105591602, ClinGen allele CA2580614386.